The following is an entry in ClinVar:

ClinVar aggregate classification (germline): Uncertain significance (1 of 4 stars; one submission).

Allele frequency attached by ClinVar (database versions not stated): gnomAD exomes below 0.00001 and 0.00001; TOPMed below 0.00001; gnomAD 0.00001.
gnomAD v4.1: 12 of 1,614,082 alleles (0.00074%); highest among the groups gnomAD compares: African/African-American, 0.0013%; no homozygotes.

Submission:

Labcorp Genetics (formerly Invitae), Labcorp
Classification: Uncertain significance. Last evaluated: 2025-12-28. Review status: criteria provided, single submitter. Criteria: Invitae Variant Classification Sherloc (09022015). Collection method: clinical testing. Allele origin: germline.
Comment: This sequence change replaces asparagine, which is neutral and polar, with serine, which is neutral and polar, at codon 275 of the NLRP1 protein (p.Asn275Ser). This variant is present in population databases (no rsID available, gnomAD 0.004%). This variant has not been reported in the literature in individuals affected with NLRP1-related conditions. ClinVar contains an entry for this variant (Variation ID: 1478858). An algorithm developed to predict the effect of missense changes on protein structure and function outputs the following: PolyPhen-2: "Benign". The serine amino acid residue is found in multiple mammalian species, which suggests that this missense change does not adversely affect protein function. In summary, the available evidence is currently insufficient to determine the role of this variant in disease. Therefore, it has been classified as a Variant of Uncertain Significance.

NM_033004.4(NLRP1):c.824A>G (p.Asn275Ser)

Gene: NLRP1 (NLR family pyrin domain containing 1; minus strand). Cytogenetic location: 17p13.2.
Variant type: single nucleotide variant.
Coding change: c.824A>G on transcript NM_033004.4 (MANE Select); coding-DNA position 824, A replaced by G.
Protein change: p.Asn275Ser; replaces asparagine 275 with serine.
Molecular consequence: missense variant.
Genome position (GRCh38, 1-based): chr17:5,559,872, T>C on the plus strand (A>G on the coding strand, the complement: NLRP1 is on the minus strand). VCF-style: chr17-5559872-T-C. GRCh37 (hg19) VCF-style: chr17-5463192-T-C.
Other names: c.824A>G, p.Asn275Ser (NM_001033053.3, NM_014922.5, NM_033006.4 and 1 more transcripts); short protein forms N275S.
Identifiers: ClinVar variation 1478858 (VCV001478858.6), dbSNP rs1046817157, ClinGen allele CA287269081.